The following is an entry in ClinVar:

ClinVar aggregate classification (germline): Likely benign (0 of 4 stars; one submission).

Conditions:
DHX30-related disorder. Also called: DHX30-related condition.

Allele frequency attached by ClinVar (database versions not stated): ExAC 0.00002; gnomAD 0.00002; TOPMed 0.00003.
gnomAD v4.1: 103 of 1,613,996 alleles (0.0064%); highest among the groups gnomAD compares: Non-Finnish European, 0.008%; no homozygotes.

Submission:

PreventionGenetics, part of Exact Sciences
Classification: Likely benign for DHX30-related condition. Last evaluated: 2019-03-13. Review status: no assertion criteria provided. Collection method: clinical testing. Allele origin: germline.
Comment: This variant is classified as likely benign based on ACMG/AMP sequence variant interpretation guidelines (Richards et al. 2015 PMID: 25741868, with internal and published modifications).

NM_138615.3(DHX30):c.2706C>T (p.Val902=)

Gene: DHX30 (DExH-box helicase 30; plus strand). Cytogenetic location: 3p21.31.
Variant type: single nucleotide variant.
Coding change: c.2706C>T on transcript NM_138615.3 (MANE Select); coding-DNA position 2706, C replaced by T.
Protein change: p.Val902=; no amino-acid change (valine 902 retained).
Molecular consequence: synonymous variant.
Genome position (GRCh38, 1-based): chr3:47,848,754, C>T. VCF-style: chr3-47848754-C-T. GRCh37 (hg19) VCF-style: chr3-47890244-C-T.
Other names: c.2622C>T, p.Val874= (NM_001330990.2); c.2589C>T, p.Val863= (NM_014966.4).
Identifiers: ClinVar variation 3058655 (VCV003058655.2), dbSNP rs767207197, ClinGen allele CA2370195.
Genomic context (GRCh38, chr3:47,848,754, plus strand): 5'-GTTGGCCAAGGCCATTGTGTTGGCTGCCATCTTCCGTTGCCTGCACCCACTACTGGTGGT[C>T]GTTTCCTGCCTCACCCGGGACCCCTTCAGCAGCAGCCTACAGAACCGGGCAGAGGTGGAC-3'
Protein context (NP_619520.1, residues 892-912): IFRCLHPLLV[Val902=]VSCLTRDPFS